The following is an entry in ClinVar:

NM_003072.5(SMARCA4):c.273C>A (p.Asn91Lys)

Gene: SMARCA4 (SWI/SNF related BAF chromatin remodeling complex subunit ATPase 4; plus strand). Cytogenetic location: 19p13.2.
Variant type: single nucleotide variant.
Coding change: c.273C>A on transcript NM_003072.5 (MANE Select); coding-DNA position 273, C replaced by A.
Protein change: p.Asn91Lys; replaces asparagine 91 with lysine.
Molecular consequence: missense variant. On other transcripts: non-coding transcript variant (1).
Genome position (GRCh38, 1-based): chr19:10,985,323, C>A. VCF-style: chr19-10985323-C-A. GRCh37 (hg19) VCF-style: chr19-11095999-C-A.
Other names: c.273C>A, p.Asn91Lys (NM_001128844.3, NM_001128845.2, NM_001128846.2 and 6 more transcripts); short protein forms N91K.
Identifiers: ClinVar variation 1721017 (VCV001721017.5), dbSNP rs2145750106, ClinGen allele CA404055186.

ClinVar aggregate classification (germline): Uncertain significance (1 of 4 stars; one submission).

Conditions:
Rhabdoid tumor predisposition syndrome 2 (RTPS2). Identifiers: Orphanet 231108, Orphanet 69077, MedGen C2750074, MONDO:0013224, OMIM 613325.

Submission:

Labcorp Genetics (formerly Invitae), Labcorp
Classification: Uncertain significance for Rhabdoid tumor predisposition syndrome 2. Last evaluated: 2022-10-05. Review status: criteria provided, single submitter. Criteria: Invitae Variant Classification Sherloc (09022015). Collection method: clinical testing. Allele origin: germline.
Comment: In summary, the available evidence is currently insufficient to determine the role of this variant in disease. Therefore, it has been classified as a Variant of Uncertain Significance. Advanced modeling of protein sequence and biophysical properties (such as structural, functional, and spatial information, amino acid conservation, physicochemical variation, residue mobility, and thermodynamic stability) performed at Invitae indicates that this missense variant is not expected to disrupt SMARCA4 protein function. This variant has not been reported in the literature in individuals affected with SMARCA4-related conditions. This variant is not present in population databases (gnomAD no frequency). This sequence change replaces asparagine, which is neutral and polar, with lysine, which is basic and polar, at codon 91 of the SMARCA4 protein (p.Asn91Lys).